The following is an entry in ClinVar:

NM_001011658.4(TRAPPC2):c.*709C>G

Gene: TRAPPC2 (trafficking protein particle complex subunit 2; minus strand). Cytogenetic location: Xp22.2.
Variant type: single nucleotide variant.
Coding change: c.*709C>G on transcript NM_001011658.4 (MANE Select); 709 bases downstream of the stop codon, C replaced by G.
Molecular consequence: 3 prime UTR variant.
Genome position (GRCh38, 1-based): chrX:13,713,698, G>C on the plus strand (C>G on the coding strand, the complement: TRAPPC2 is on the minus strand). VCF-style: chrX-13713698-G-C. GRCh37 (hg19) VCF-style: chrX-13731817-G-C.
Other names: c.*709C>G (NM_001128835.3, NM_014563.6).
Identifiers: ClinVar variation 914535 (VCV000914535.4), dbSNP rs181594125, ClinGen allele CA326090701.
Genomic context (GRCh38, chrX:13,713,698, plus strand): 5'-CCTGTCTCTACTAAAAATACAAAAATTAGCCAGGTGTGGTGGTGCACGCCTATAATCTCA[G>C]CTACTCGGGAGGCTGAAGAAGGAGAATTGCTTGAACCCGGGAGGTGGAGGTTGCAGTGAG-3'

ClinVar aggregate classification (germline): Benign (1 of 4 stars; one submission).

Conditions:
Spondyloepiphyseal dysplasia tarda (SEDT). Also called: SPONDYLOEPIPHYSEAL DYSPLASIA, LATE. Identifiers: Orphanet 93284, MedGen CN033239, MONDO:0019667.

Allele frequency attached by ClinVar (database versions not stated): gnomAD 0.00235 and 0.00240; 1000 Genomes Project 0.00371; TOPMed 0.00516; 1000 Genomes Project 30x 0.00520.

Submission:

Illumina Laboratory Services, Illumina
Classification: Benign for Spondyloepiphyseal dysplasia tarda, X-linked. Last evaluated: 2018-01-12. Review status: criteria provided, single submitter. Criteria: ICSL Variant Classification Criteria 13 December 2019. Collection method: clinical testing. Allele origin: germline.
Comment: This variant was observed in the ICSL laboratory as part of a predisposition screen in an ostensibly healthy population. It had not been previously curated by ICSL or reported in the Human Gene Mutation Database (HGMD: prior to June 1st, 2018), and was therefore a candidate for classification through an automated scoring system. Utilizing variant allele frequency, disease prevalence and penetrance estimates, and inheritance mode, an automated score was calculated to assess if this variant is too frequent to cause the disease. Based on the score and internal cut-off values, a variant classified as benign is not then subjected to further curation. The score for this variant resulted in a classification of benign for this disease.